The following is an entry in ClinVar:

NC_000001.10:g.(?_183197499)_(183206649_?)dup

Gene: LAMC2 (laminin subunit gamma 2; plus strand). Cytogenetic location: 1q25.3.
Variant type: Duplication.
Identifiers: ClinVar variation 2425375 (VCV002425375.4).

ClinVar aggregate classification (germline): Likely pathogenic (1 of 4 stars; one submission).

Submission:

Labcorp Genetics (formerly Invitae), Labcorp
Classification: Likely pathogenic. Last evaluated: 2021-11-18. Review status: criteria provided, single submitter. Criteria: Invitae Variant Classification Sherloc (09022015). Collection method: clinical testing. Allele origin: germline.
Comment: This variant has not been reported in the literature in individuals affected with LAMC2-related conditions. This variant results in a copy number gain of the genomic region encompassing exon(s) 11-18 of the LAMC2 gene. While the exact position of this variant cannot be determined from the data, sub-genic copy number gains are generally in tandem (PMID: 25640679). This variant is predicted to be out-of-frame, and may result in an absent or disrupted protein product. Loss-of-function variants in LAMC2 are known to be pathogenic (PMID: 11907499, 16473856). In summary, the currently available evidence indicates that the variant is pathogenic, but additional data are needed to prove that conclusively. Therefore, this variant has been classified as Likely Pathogenic.

Literature cited by the submitters: PubMed 25640679; PubMed 11907499; PubMed 16473856.